The following is an entry in ClinVar:

NM_007347.5(AP4E1):c.2335A>G (p.Thr779Ala)

Gene: AP4E1 (adaptor related protein complex 4 subunit epsilon 1; plus strand). Cytogenetic location: 15q21.2.
Variant type: single nucleotide variant.
Coding change: c.2335A>G on transcript NM_007347.5 (MANE Select); coding-DNA position 2335, A replaced by G.
Protein change: p.Thr779Ala; replaces threonine 779 with alanine.
Molecular consequence: missense variant.
Genome position (GRCh38, 1-based): chr15:50,993,614, A>G. VCF-style: chr15-50993614-A-G. GRCh37 (hg19) VCF-style: chr15-51285811-A-G.
Other names: c.2110A>G, p.Thr704Ala (NM_001252127.2); short protein forms T704A, T779A.
Identifiers: ClinVar variation 649540 (VCV000649540.8), dbSNP rs145037780, ClinGen allele CA7559291.

ClinVar aggregate classification (germline): Uncertain significance (1 of 4 stars; one submission).

Conditions:
Spastic paraplegia. Identifiers: MedGen C0037772, HP:0001258.

Allele frequency attached by ClinVar (database versions not stated): gnomAD 0.00001; gnomAD exomes 0.00001 and 0.00002; TOPMed 0.00001; ExAC 0.00002; ESP Exome Variant Server 0.00008.
gnomAD v4.1: 16 of 1,613,890 alleles (0.00099%); highest among the groups gnomAD compares: Non-Finnish European, 0.0012%; no homozygotes.

Submission:

Labcorp Genetics (formerly Invitae), Labcorp
Classification: Uncertain significance for Spastic paraplegia. Last evaluated: 2021-12-02. Review status: criteria provided, single submitter. Criteria: Invitae Variant Classification Sherloc (09022015). Collection method: clinical testing. Allele origin: germline.
Comment: This sequence change replaces threonine, which is neutral and polar, with alanine, which is neutral and non-polar, at codon 779 of the AP4E1 protein (p.Thr779Ala). In summary, the available evidence is currently insufficient to determine the role of this variant in disease. Therefore, it has been classified as a Variant of Uncertain Significance. Algorithms developed to predict the effect of missense changes on protein structure and function output the following: SIFT: "Tolerated"; PolyPhen-2: "Benign"; Align-GVGD: "Class C0". The alanine amino acid residue is found in multiple mammalian species, which suggests that this missense change does not adversely affect protein function. ClinVar contains an entry for this variant (Variation ID: 649540). This variant has not been reported in the literature in individuals affected with AP4E1-related conditions. This variant is present in population databases (rs145037780, gnomAD 0.002%).